The following is an entry in ClinVar:

ClinVar aggregate classification (germline): Uncertain significance. Review status: criteria provided, multiple submitters, no conflicts (2 of 4 stars). 2 submissions from 2 submitters: Uncertain significance (2). Last evaluated 2026-04-15.

Conditions:
Inborn genetic diseases. Identifiers: MedGen C0950123, MeSH D030342.

Allele frequency attached by ClinVar (database versions not stated): gnomAD 0.00001; gnomAD exomes 0.00001; TOPMed 0.00001.

Submissions (2):

Ambry Genetics
Classification: Uncertain significance for Inborn genetic diseases. Last evaluated: 2026-04-15. Review status: criteria provided, single submitter. Criteria: Ambry Variant Classification Scheme 2023. Collection method: clinical testing. Allele origin: germline.

Labcorp Genetics (formerly Invitae), Labcorp
Classification: Uncertain significance. Last evaluated: 2021-10-02. Review status: criteria provided, single submitter. Criteria: Invitae Variant Classification Sherloc (09022015). Collection method: clinical testing. Allele origin: germline.
Comment: This sequence change replaces alanine with valine at codon 95 of the TSEN54 protein (p.Ala95Val). The alanine residue is highly conserved and there is a small physicochemical difference between alanine and valine. This variant is not present in population databases (ExAC no frequency). This variant has not been reported in the literature in individuals affected with TSEN54-related conditions. Algorithms developed to predict the effect of missense changes on protein structure and function are either unavailable or do not agree on the potential impact of this missense change (SIFT: "Tolerated"; PolyPhen-2: "Probably Damaging"; Align-GVGD: "Class C0"). Algorithms developed to predict the effect of sequence changes on RNA splicing suggest that this variant may disrupt the consensus splice site. In summary, the available evidence is currently insufficient to determine the role of this variant in disease. Therefore, it has been classified as a Variant of Uncertain Significance.

NM_207346.3(TSEN54):c.284C>T (p.Ala95Val)

Gene: TSEN54 (tRNA splicing endonuclease subunit 54; plus strand). Cytogenetic location: 17q25.1.
Variant type: single nucleotide variant.
Coding change: c.284C>T on transcript NM_207346.3 (MANE Select); coding-DNA position 284, C replaced by T.
Protein change: p.Ala95Val; replaces alanine 95 with valine.
Molecular consequence: missense variant.
Genome position (GRCh38, 1-based): chr17:75,517,071, C>T. VCF-style: chr17-75517071-C-T. GRCh37 (hg19) VCF-style: chr17-73513152-C-T.
Other names: c.284C>T (NM_207346.2); short protein forms A95V.
Identifiers: ClinVar variation 1384199 (VCV001384199.4), dbSNP rs1385660656, ClinGen allele CA401027391.